The following is an entry in ClinVar:

NM_001082486.2(ACD):c.667C>T (p.Pro223Ser)

Gene: ACD (ACD shelterin complex subunit and telomerase recruitment factor; minus strand). Cytogenetic location: 16q22.1.
Variant type: single nucleotide variant.
Coding change: c.667C>T on transcript NM_001082486.2 (MANE Select); coding-DNA position 667, C replaced by T.
Protein change: p.Pro223Ser; replaces proline 223 with serine.
Molecular consequence: missense variant.
Genome position (GRCh38, 1-based): chr16:67,658,795, G>A on the plus strand (C>T on the coding strand, the complement: ACD is on the minus strand). VCF-style: chr16-67658795-G-A. GRCh37 (hg19) VCF-style: chr16-67692698-G-A.
Other names: c.667C>T, p.Pro223Ser (NM_001410884.1); c.658C>T, p.Pro220Ser (NM_022914.3); short protein forms P220S, P223S.
Identifiers: ClinVar variation 1766363 (VCV001766363.2), dbSNP rs201823240, ClinGen allele CA8114575.

ClinVar aggregate classification (germline): Uncertain significance (1 of 4 stars; one submission).

Conditions:
Inborn genetic diseases. Identifiers: MedGen C0950123, MeSH D030342.

Allele frequency attached by ClinVar (database versions not stated): gnomAD 0.00001; gnomAD exomes 0.00001; ExAC 0.00002; 1000 Genomes Project 30x 0.00016; 1000 Genomes Project 0.00020.
gnomAD v4.1: 5 of 1,613,300 alleles (0.00031%); highest among the groups gnomAD compares: South Asian, 0.0044%; no homozygotes.

Submission:

Ambry Genetics
Classification: Uncertain significance for Inborn genetic diseases. Last evaluated: 2022-10-05. Review status: criteria provided, single submitter. Criteria: Ambry Variant Classification Scheme 2023. Collection method: clinical testing. Allele origin: germline.
Comment: The p.P309S variant (also known as c.925C>T), located in coding exon 8 of the ACD gene, results from a C to T substitution at nucleotide position 925. The proline at codon 309 is replaced by serine, an amino acid with similar properties. This amino acid position is conserved. In addition, this alteration is predicted to be tolerated by in silico analysis. Since supporting evidence is limited at this time, the clinical significance of this alteration remains unclear.